The following is an entry in ClinVar:

NM_001042646.3(TRAK1):c.1682G>C (p.Gly561Ala)

Gene: TRAK1 (trafficking kinesin protein 1; plus strand). Cytogenetic location: 3p22.1.
Variant type: single nucleotide variant.
Coding change: c.1682G>C on transcript NM_001042646.3 (MANE Select); coding-DNA position 1682, G replaced by C.
Protein change: p.Gly561Ala; replaces glycine 561 with alanine.
Molecular consequence: missense variant. On other transcripts: non-coding transcript variant (1).
Genome position (GRCh38, 1-based): chr3:42,202,690, G>C. VCF-style: chr3-42202690-G-C. GRCh37 (hg19) VCF-style: chr3-42244182-G-C.
Other names: c.1682G>C, p.Gly561Ala (NM_001265608.2, NM_001349246.2, NM_001349247.2); c.1460G>C, p.Gly487Ala (NM_001265609.2, NM_001265610.1, NM_001349248.1 and 1 more transcripts); c.1370G>C, p.Gly457Ala (NM_001349245.1); c.1508G>C, p.Gly503Ala (NM_014965.5); short protein forms G457A, G487A, G503A, G561A.
Identifiers: ClinVar variation 1702684 (VCV001702684.2), dbSNP rs1576991517, ClinGen allele CA352247387.
Genomic context (GRCh38, chr3:42,202,690, plus strand): 5'-CTGAGAGCATCATGTCCCTGGGCACGCACTCCCGCTTCTCCGAGTTCACCGGCTTCTCTG[G>C]CATGTCCTTCAGCAGCCGCTCCTACCTGCCTGAGAAGCTCCAGATCGTGAAGCCGCTGGA-3'
Protein context (NP_001036111.1, residues 551-571): SRFSEFTGFS[Gly561Ala]MSFSSRSYLP

ClinVar aggregate classification (germline): Uncertain significance (1 of 4 stars; one submission).

Allele frequency attached by ClinVar (database versions not stated): TOPMed 0.00001.

Submission:

GeneDx
Classification: Uncertain significance. Last evaluated: 2022-02-17. Review status: criteria provided, single submitter. Criteria: GeneDx Variant Classification Process June 2021. Collection method: clinical testing. Allele origin: germline. Affected: yes.
Comment: In silico analysis supports that this missense variant does not alter protein structure/function; Not observed at significant frequency in large population cohorts (gnomAD); Has not been previously published as pathogenic or benign to our knowledge